The following is an entry in ClinVar:

ClinVar aggregate classification (germline): Uncertain significance (1 of 4 stars; one submission).

Allele frequency attached by ClinVar (database versions not stated): ExAC 0.00002; gnomAD 0.00003; gnomAD exomes 0.00003 and 0.00008; TOPMed 0.00005.
gnomAD v4.1: 59 of 1,613,924 alleles (0.0037%); highest among the groups gnomAD compares: Middle Eastern, 0.082%; no homozygotes.

Submission:

Labcorp Genetics (formerly Invitae), Labcorp
Classification: Uncertain significance. Last evaluated: 2025-06-16. Review status: criteria provided, single submitter. Criteria: Invitae Variant Classification Sherloc (09022015). Collection method: clinical testing. Allele origin: germline.
Comment: This sequence change replaces isoleucine, which is neutral and non-polar, with methionine, which is neutral and non-polar, at codon 1508 of the MPDZ protein (p.Ile1508Met). This variant is present in population databases (rs747239643, gnomAD 0.03%). This variant has not been reported in the literature in individuals affected with MPDZ-related conditions. ClinVar contains an entry for this variant (Variation ID: 1439554). An algorithm developed to predict the effect of missense changes on protein structure and function (PolyPhen-2) suggests that this variant is likely to be disruptive. In summary, the available evidence is currently insufficient to determine the role of this variant in disease. Therefore, it has been classified as a Variant of Uncertain Significance.

NM_001378778.1(MPDZ):c.4524A>G (p.Ile1508Met)

Gene: MPDZ (multiple PDZ domain crumbs cell polarity complex component; minus strand). Cytogenetic location: 9p23.
Variant type: single nucleotide variant.
Coding change: c.4524A>G on transcript NM_001378778.1 (MANE Select); coding-DNA position 4524, A replaced by G.
Protein change: p.Ile1508Met; replaces isoleucine 1508 with methionine.
Molecular consequence: missense variant.
Genome position (GRCh38, 1-based): chr9:13,126,713, T>C on the plus strand (A>G on the coding strand, the complement: MPDZ is on the minus strand). VCF-style: chr9-13126713-T-C. GRCh37 (hg19) VCF-style: chr9-13126712-T-C.
Other names: c.4425A>G, p.Ile1475Met (NM_001261406.2, NM_001261407.2, NM_001375416.1 and 3 more transcripts); c.4524A>G, p.Ile1508Met (NM_001330637.2, NM_003829.5); c.4623A>G, p.Ile1541Met (NM_001375413.1); c.4314A>G, p.Ile1438Met (NM_001375420.1, NM_001375421.1, NM_001375422.1 and 4 more transcripts); c.4116A>G, p.Ile1372Met (NM_001375427.1); short protein forms I1372M, I1475M, I1541M, I1508M, I1438M.
Identifiers: ClinVar variation 1439554 (VCV001439554.6), dbSNP rs747239643, ClinGen allele CA4986666.